The following is an entry in ClinVar:

ClinVar aggregate classification (germline): Benign (1 of 4 stars; one submission).

Conditions:
Vanishing white matter disease. Also called: CACH syndrome; Childhood ataxia with diffuse central nervous system hypomyelination; Leukoencephalopathy with vanishing white matter; CACH/VWM syndrome; Cree leukoencehalopathy. Identifiers: Orphanet 135, Orphanet 99853, MedGen C1858991, MONDO:0800448.

Allele frequency attached by ClinVar (database versions not stated): gnomAD 0.00047 and 0.00070; TOPMed 0.00077; 1000 Genomes Project 30x 0.00328; 1000 Genomes Project 0.00399.
gnomAD v4.1: 277 of 349,308 alleles (0.079%); highest among the groups gnomAD compares: East Asian, 1.8%; 5 homozygotes.

Submission:

Illumina Laboratory Services, Illumina
Classification: Benign for Leukoencephalopathy with vanishing white matter 1. Last evaluated: 2018-01-12. Review status: criteria provided, single submitter. Criteria: ICSL Variant Classification Criteria 13 December 2019. Collection method: clinical testing. Allele origin: germline.
Comment: This variant was observed in the ICSL laboratory as part of a predisposition screen in an ostensibly healthy population. It had not been previously curated by ICSL or reported in the Human Gene Mutation Database (HGMD: prior to June 1st, 2018), and was therefore a candidate for classification through an automated scoring system. Utilizing variant allele frequency, disease prevalence and penetrance estimates, and inheritance mode, an automated score was calculated to assess if this variant is too frequent to cause the disease. Based on the score and internal cut-off values, a variant classified as benign is not then subjected to further curation. The score for this variant resulted in a classification of benign for this disease.

NM_001414.4(EIF2B1):c.*352C>G

Genes: EIF2B1 (eukaryotic translation initiation factor 2B subunit alpha; minus strand), LOC126861664 (CDK7 strongly-dependent group 2 enhancer GRCh37_chr12:124105924-124107123; plus strand). Cytogenetic location: 12q24.31.
Variant type: single nucleotide variant.
Coding change: c.*352C>G on transcript NM_001414.4 (MANE Select); 352 bases downstream of the stop codon, C replaced by G.
Molecular consequence: 3 prime UTR variant.
Genome position (GRCh38, 1-based): chr12:123,621,404, G>C on the plus strand (C>G on the coding strand, the complement: EIF2B1 is on the minus strand). VCF-style: chr12-123621404-G-C. GRCh37 (hg19) VCF-style: chr12-124105951-G-C.
Identifiers: ClinVar variation 307525 (VCV000307525.5), dbSNP rs150711091, ClinGen allele CA10632189.